The following is an entry in ClinVar:

NM_001204.7(BMPR2):c.651dup (p.Tyr218fs)

Gene: BMPR2 (bone morphogenetic protein receptor type 2; plus strand). Cytogenetic location: 2q33.2.
Variant type: Duplication.
Coding change: c.651dup on transcript NM_001204.7 (MANE Select); coding-DNA position 651, one base duplicated (A; older notation c.651dupA).
Protein change: p.Tyr218fs; shifts the reading frame from tyrosine 218.
Molecular consequence: frameshift variant.
Genome position (GRCh38, 1-based): chr2:202,518,851, A duplicated. VCF-style (leftmost placement, unchanged base first): chr2-202518850-T-TA. GRCh37 (hg19) VCF-style: chr2-203383573-T-TA.
Other names: short protein forms Y218fs.
Identifiers: ClinVar variation 4713703 (VCV004713703.1).

ClinVar aggregate classification (germline): Pathogenic (1 of 4 stars; one submission).

Conditions:
Primary pulmonary hypertension. Also called: Idiopathic pulmonary hypertension. Identifiers: MedGen C0152171.

Submission:

Labcorp Genetics (formerly Invitae), Labcorp
Classification: Pathogenic for Primary pulmonary hypertension. Last evaluated: 2025-02-23. Review status: criteria provided, single submitter. Criteria: Invitae Variant Classification Sherloc (09022015). Collection method: clinical testing. Allele origin: germline.
Comment: This sequence change creates a premature translational stop signal (p.Tyr218Ilefs*2) in the BMPR2 gene. It is expected to result in an absent or disrupted protein product. Loss-of-function variants in BMPR2 are known to be pathogenic (PMID: 16429395). This variant is not present in population databases (gnomAD no frequency). This variant has not been reported in the literature in individuals affected with BMPR2-related conditions. For these reasons, this variant has been classified as Pathogenic.

Literature cited by the submitters: PubMed 16429395.